The following is an entry in ClinVar:

NM_182961.4(SYNE1):c.1368G>A (p.Thr456=)

Gene: SYNE1 (spectrin repeat containing nuclear envelope protein 1; minus strand). Cytogenetic location: 6q25.2.
Variant type: single nucleotide variant.
Coding change: c.1368G>A on transcript NM_182961.4 (MANE Select); coding-DNA position 1368, G replaced by A.
Protein change: p.Thr456=; no amino-acid change (threonine 456 retained).
Molecular consequence: synonymous variant.
Genome position (GRCh38, 1-based): chr6:152,472,396, C>T on the plus strand (G>A on the coding strand, the complement: SYNE1 is on the minus strand). VCF-style: chr6-152472396-C-T. GRCh37 (hg19) VCF-style: chr6-152793531-C-T.
Other names: c.1389G>A, p.Thr463= (NM_033071.5).
Identifiers: ClinVar variation 2436573 (VCV002436573.4), dbSNP rs745809986, ClinGen allele CA150208032.

ClinVar aggregate classification (germline): Conflicting classifications of pathogenicity. Review status: criteria provided, conflicting classifications (1 of 4 stars). 2 submissions from 2 submitters: Uncertain significance (1); Likely benign (1). Last evaluated 2026-02-19.

Conditions:
SYNE1-related disorder. Also called: SYNE1-related disease; SYNE1-related condition; SYNE1-related disorders.

Allele frequency attached by ClinVar (database versions not stated): gnomAD 0.00001; TOPMed 0.00002.
gnomAD v4.1: 16 of 1,613,408 alleles (0.00099%); highest among the groups gnomAD compares: South Asian, 0.0055%; no homozygotes.

Submissions (2):

PreventionGenetics, part of Exact Sciences
Classification: Likely benign for SYNE1-related condition. Last evaluated: 2026-02-19. Review status: criteria provided, single submitter. Criteria: ACMG Guidelines, 2015. Collection method: clinical testing. Allele origin: germline.
Comment: This variant is classified as likely benign based on ACMG/AMP sequence variant interpretation guidelines (Richards et al. 2015 PMID: 25741868, with internal and published modifications).

Revvity Omics, Revvity
Classification: Uncertain significance. Last evaluated: 2022-05-26. Review status: criteria provided, single submitter. Criteria: ACMG Guidelines, 2015. Collection method: clinical testing. Allele origin: germline.